The following is an entry in ClinVar:

NM_145649.5(GCNT2):c.*1112G>A

Gene: GCNT2 (glucosaminyl (N-acetyl) transferase 2 (I blood group); plus strand). Cytogenetic location: 6p24.2.
Variant type: single nucleotide variant.
Coding change: c.*1112G>A on transcript NM_145649.5 (MANE Select); 1112 bases downstream of the stop codon, G replaced by A.
Molecular consequence: 3 prime UTR variant.
Genome position (GRCh38, 1-based): chr6:10,627,719, G>A. VCF-style: chr6-10627719-G-A. GRCh37 (hg19) VCF-style: chr6-10627952-G-A.
Other names: c.*1112G>A (NM_001374747.1, NM_001491.3, NM_145655.4).
Identifiers: ClinVar variation 354726 (VCV000354726.5), dbSNP rs6899538, ClinGen allele CA10622523.

ClinVar aggregate classification (germline): Likely benign (1 of 4 stars; one submission).

Conditions:
Blood group, I system (Ii). Identifiers: MedGen C0020717, OMIM 110800.

Allele frequency attached by ClinVar (database versions not stated): 1000 Genomes Project 0.00260; 1000 Genomes Project 30x 0.00281; gnomAD 0.00373 and 0.00398; TOPMed 0.00408.

Submission:

Illumina Laboratory Services, Illumina
Classification: Likely benign for Blood group, I system. Last evaluated: 2018-01-13. Review status: criteria provided, single submitter. Criteria: ICSL Variant Classification Criteria 13 December 2019. Collection method: clinical testing. Allele origin: germline.
Comment: This variant was observed in the ICSL laboratory as part of a predisposition screen in an ostensibly healthy population. It had not been previously curated by ICSL or reported in the Human Gene Mutation Database (HGMD: prior to June 1st, 2018), and was therefore a candidate for classification through an automated scoring system. Utilizing variant allele frequency, disease prevalence and penetrance estimates, and inheritance mode, an automated score was calculated to assess if this variant is too frequent to cause the disease. Based on the score and internal cut-off values, a variant classified as likely benign is not then subjected to further curation. The score for this variant resulted in a classification of likely benign for this disease.